The following is an entry in ClinVar:

ClinVar aggregate classification (germline): Uncertain significance (1 of 4 stars; one submission).

Conditions:
Multiple acyl-CoA dehydrogenase deficiency (MADD). Also called: ETHYLMALONIC-ADIPICACIDURIA; GA II; Glutaric aciduria, type 2; Glutaric Acidemia type 2; Glutaric acidemia type II; GA 2. Identifiers: Orphanet 26791, MedGen C0268596, MONDO:0009282, OMIM 231680.

gnomAD v4.1: 11 of 1,613,564 alleles (0.00068%); highest among the groups gnomAD compares: Middle Eastern, 0.017%; no homozygotes.

Submission:

Labcorp Genetics (formerly Invitae), Labcorp
Classification: Uncertain significance for Multiple acyl-CoA dehydrogenase deficiency. Last evaluated: 2025-01-23. Review status: criteria provided, single submitter. Criteria: Invitae Variant Classification Sherloc (09022015). Collection method: clinical testing. Allele origin: germline.
Comment: This sequence change replaces arginine, which is basic and polar, with histidine, which is basic and polar, at codon 46 of the ETFA protein (p.Arg46His). This variant is present in population databases (no rsID available, gnomAD 0.003%). This variant has not been reported in the literature in individuals affected with ETFA-related conditions. Invitae Evidence Modeling of protein sequence and biophysical properties (such as structural, functional, and spatial information, amino acid conservation, physicochemical variation, residue mobility, and thermodynamic stability) indicates that this missense variant is not expected to disrupt ETFA protein function with a negative predictive value of 80%. In summary, the available evidence is currently insufficient to determine the role of this variant in disease. Therefore, it has been classified as a Variant of Uncertain Significance.

NM_000126.4(ETFA):c.137G>A (p.Arg46His)

Gene: ETFA (electron transfer flavoprotein subunit alpha; minus strand). Cytogenetic location: 15q24.2.
Variant type: single nucleotide variant.
Coding change: c.137G>A on transcript NM_000126.4 (MANE Select); coding-DNA position 137, G replaced by A.
Protein change: p.Arg46His; replaces arginine 46 with histidine.
Molecular consequence: missense variant. On other transcripts: intron variant (1).
Genome position (GRCh38, 1-based): chr15:76,295,640, C>T on the plus strand (G>A on the coding strand, the complement: ETFA is on the minus strand). VCF-style: chr15-76295640-C-T. GRCh37 (hg19) VCF-style: chr15-76587981-C-T.
Other names: c.40-2940G>A (NM_001127716.2); short protein forms R46H.
Identifiers: ClinVar variation 3672599 (VCV003672599.1).
Genomic context (GRCh38, chr15:76,295,640, plus strand): 5'-AAATTTCTCACCTTGTCACATTTGGTTCCAGCTACTAAGCAGGACACTTCACCTCCAAGG[C>T]GTGTGGCTGCAGTAATGGTATTTAAAGTAATGGGTGCTAGGGAATCATTTGCATGCTCAG-3'
Protein context (NP_000117.1, residues 36-56): ITLNTITAAT[Arg46His]LGGEVSCLVA